The following is an entry in ClinVar:

NM_020549.5(CHAT):c.1718C>T (p.Ala573Val)

Gene: CHAT (choline O-acetyltransferase; plus strand). Cytogenetic location: 10q11.23.
Variant type: single nucleotide variant.
Coding change: c.1718C>T on transcript NM_020549.5 (MANE Select); coding-DNA position 1718, C replaced by T.
Protein change: p.Ala573Val; replaces alanine 573 with valine.
Molecular consequence: missense variant.
Genome position (GRCh38, 1-based): chr10:49,655,178, C>T. VCF-style: chr10-49655178-C-T. GRCh37 (hg19) VCF-style: chr10-50863224-C-T.
Other names: c.1364C>T, p.Ala455Val (NM_001142929.2, NM_001142934.2, NM_020984.4 and 2 more transcripts); c.1472C>T, p.Ala491Val (NM_001142933.2); short protein forms A455V, A573V, A491V.
Identifiers: ClinVar variation 955327 (VCV000955327.7), dbSNP rs1839995687, ClinGen allele CA376747726.

ClinVar aggregate classification (germline): Uncertain significance (1 of 4 stars; one submission).

Conditions:
Familial infantile myasthenia (CMS6). Also called: MYASTHENIC SYNDROME, PRESYNAPTIC, CONGENITAL, ASSOCIATED WITH EPISODIC APNEA; MYASTHENIC SYNDROME, CONGENITAL, 6, PRESYNAPTIC; Congenital myasthenic syndrome type 6. Identifiers: Orphanet 590, MedGen C0393929, MONDO:0009689, OMIM 254210.

Allele frequency attached by ClinVar (database versions not stated): gnomAD exomes below 0.00001.
gnomAD v4.1: 3 of 1,614,116 alleles (0.00019%); highest among the groups gnomAD compares: Non-Finnish European, 0.00025%; no homozygotes.

Submission:

Labcorp Genetics (formerly Invitae), Labcorp
Classification: Uncertain significance for Familial infantile myasthenia. Last evaluated: 2021-08-28. Review status: criteria provided, single submitter. Criteria: Invitae Variant Classification Sherloc (09022015). Collection method: clinical testing. Allele origin: germline.
Comment: This sequence change replaces alanine with valine at codon 573 of the CHAT protein (p.Ala573Val). The alanine residue is moderately conserved and there is a small physicochemical difference between alanine and valine. This variant is not present in population databases (ExAC no frequency). This variant has not been reported in the literature in individuals affected with CHAT-related conditions. Algorithms developed to predict the effect of missense changes on protein structure and function are either unavailable or do not agree on the potential impact of this missense change (SIFT: "Tolerated"; PolyPhen-2: "Probably Damaging"; Align-GVGD: "Class C0"). In summary, the available evidence is currently insufficient to determine the role of this variant in disease. Therefore, it has been classified as a Variant of Uncertain Significance.